The following is an entry in ClinVar:

NM_004360.5(CDH1):c.1676G>C (p.Ser559Thr)

Gene: CDH1 (cadherin 1; plus strand). Cytogenetic location: 16q22.1.
Variant type: single nucleotide variant.
Coding change: c.1676G>C on transcript NM_004360.5 (MANE Select); coding-DNA position 1676, G replaced by C.
Protein change: p.Ser559Thr; replaces serine 559 with threonine.
Molecular consequence: missense variant. On other transcripts: intron variant (1).
Genome position (GRCh38, 1-based): chr16:68,819,390, G>C. VCF-style: chr16-68819390-G-C. GRCh37 (hg19) VCF-style: chr16-68853293-G-C.
Other names: c.1493G>C, p.Ser498Thr (NM_001317184.2); c.128G>C, p.Ser43Thr (NM_001317185.2); c.-254-2611G>C (NM_001317186.2); short protein forms S43T, S498T, S559T.
Identifiers: ClinVar variation 3602808 (VCV003602808.1).

ClinVar aggregate classification (germline): Uncertain significance (1 of 4 stars; one submission).

Submission:

GeneDx
Classification: Uncertain significance. Last evaluated: 2024-08-06. Review status: criteria provided, single submitter. Criteria: GeneDx Variant Classification Process June 2021. Collection method: clinical testing. Allele origin: germline. Affected: yes.
Comment: Not observed at significant frequency in large population cohorts (gnomAD); In silico analysis indicates that this missense variant does not alter protein structure/function; Has not been previously published as pathogenic or benign to our knowledge; This variant is associated with the following publications: (PMID: 15235021, 22850631)